The following is an entry in ClinVar:

ClinVar aggregate classification (germline): Uncertain significance. Review status: criteria provided, multiple submitters, no conflicts (2 of 4 stars). 2 submissions from 2 submitters: Uncertain significance (2). Last evaluated 2023-01-22.

Allele frequency attached by ClinVar (database versions not stated): gnomAD exomes below 0.00001; TOPMed below 0.00001.
gnomAD v4.1: 1 of 1,612,854 alleles (0.000062%); highest among the groups gnomAD compares: Non-Finnish European, 0.000085%; no homozygotes.

Submissions (2):

Labcorp Genetics (formerly Invitae), Labcorp
Classification: Uncertain significance. Last evaluated: 2023-01-22. Review status: criteria provided, single submitter. Criteria: Invitae Variant Classification Sherloc (09022015). Collection method: clinical testing. Allele origin: germline.
Comment: This sequence change replaces valine, which is neutral and non-polar, with alanine, which is neutral and non-polar, at codon 552 of the CFH protein (p.Val552Ala). This variant is not present in population databases (gnomAD no frequency). This variant has not been reported in the literature in individuals affected with CFH-related conditions. ClinVar contains an entry for this variant (Variation ID: 1693694). Algorithms developed to predict the effect of missense changes on protein structure and function (SIFT, PolyPhen-2, Align-GVGD) all suggest that this variant is likely to be tolerated. In summary, the available evidence is currently insufficient to determine the role of this variant in disease. Therefore, it has been classified as a Variant of Uncertain Significance.

Mayo Clinic Laboratories, Mayo Clinic
Classification: Uncertain significance. Last evaluated: 2021-11-30. Review status: criteria provided, single submitter. Criteria: ACMG Guidelines, 2015. Collection method: clinical testing. Allele origin: germline.

NM_000186.4(CFH):c.1655T>C (p.Val552Ala)

Gene: CFH (complement factor H; plus strand). Cytogenetic location: 1q31.3.
Variant type: single nucleotide variant.
Coding change: c.1655T>C on transcript NM_000186.4 (MANE Select); coding-DNA position 1655, T replaced by C.
Protein change: p.Val552Ala; replaces valine 552 with alanine.
Molecular consequence: missense variant.
Genome position (GRCh38, 1-based): chr1:196,715,728, T>C. VCF-style: chr1-196715728-T-C. GRCh37 (hg19) VCF-style: chr1-196684858-T-C.
Other names: p.Val552Ala; short protein forms V552A.
Identifiers: ClinVar variation 1693694 (VCV001693694.7), dbSNP rs1471665793, ClinGen allele CA343983578.